The following is an entry in ClinVar:

ClinVar aggregate classification (germline): Likely pathogenic (1 of 4 stars; one submission).

Conditions:
Alport syndrome. Also called: Hemorrhagic familial nephritis; Hemorrhagic hereditary nephritis; Congenital hereditary hematuria. Identifiers: Orphanet 63, MedGen C1567741, MONDO:0018965.

Submission:

Natera, Inc.
Classification: Likely pathogenic for Alport syndrome. Last evaluated: 2025-08-26. Review status: criteria provided, single submitter. Criteria: Natera Variant Classification Schema (03/2026). Collection method: clinical testing. Allele origin: germline.
Comment: The c.3583G>A variant in COL4A3 is a missense variant predicted to cause substitution of glycine to arginine at amino acid 1195. This variant is rare in the general population with a frequency below the threshold expected for the associated phenotype(s). This variant is located in a functionally critical region of the protein. Computational prediction algorithms indicate this variant is likely to affect gene or protein function. Given the available evidence, this variant is classified as Likely Pathogenic.

NM_000091.5(COL4A3):c.3583G>A (p.Gly1195Arg)

Genes: COL4A3 (collagen type IV alpha 3 chain; plus strand), MFF-DT (MFF divergent transcript; minus strand). Cytogenetic location: 2q36.3.
Variant type: single nucleotide variant.
Coding change: c.3583G>A on transcript NM_000091.5 (MANE Select); coding-DNA position 3583, G replaced by A.
Protein change: p.Gly1195Arg; replaces glycine 1195 with arginine.
Molecular consequence: missense variant.
Genome position (GRCh38, 1-based): chr2:227,297,691, G>A. VCF-style: chr2-227297691-G-A. GRCh37 (hg19) VCF-style: chr2-228162407-G-A.
Other names: short protein forms G1195R.
Identifiers: ClinVar variation 4817253 (VCV004817253.1).
Genomic context (GRCh38, chr2:227,297,691, plus strand): 5'-CATATGGGCATTAAAGAAACTTATTAAGCCTTCTTCTTTGCAGGAGCCAAAGGAGACAGG[G>A]GAGCCCCAGGTTTTCCTGGCCTCCCGGGCAGAAAAGGGGCCATGGGAGATGCTGGACCTC-3'
Protein context (NP_000082.2, residues 1185-1205): PGAQGAKGDR[Gly1195Arg]APGFPGLPGR